The following is an entry in ClinVar:

ClinVar aggregate classification (germline): Conflicting classifications of pathogenicity. Review status: criteria provided, conflicting classifications (1 of 4 stars). 2 submissions from 2 submitters: Uncertain significance (1); Likely benign (1). Last evaluated 2025-10-17.

Conditions:
Charcot-Marie-Tooth disease type 4A. Also called: Charcot-Marie-Tooth disease, demyelinating, autosomal recessive, type 4a. Identifiers: Orphanet 99948, MedGen C1859198, MONDO:0008961, OMIM 214400.

Allele frequency attached by ClinVar (database versions not stated): TOPMed below 0.00001; gnomAD 0.00001.
gnomAD v4.1: 6 of 1,613,948 alleles (0.00037%); highest among the groups gnomAD compares: Non-Finnish European, 0.00051%; no homozygotes.

Submissions (2):

Mayo Clinic Laboratories, Mayo Clinic
Classification: Likely benign. Last evaluated: 2025-10-17. Review status: criteria provided, single submitter. Criteria: ACMG Guidelines, 2015. Collection method: clinical testing. Allele origin: germline. Observed: 1 variant allele.

Labcorp Genetics (formerly Invitae), Labcorp
Classification: Uncertain significance for Charcot-Marie-Tooth disease type 4A. Last evaluated: 2022-10-27. Review status: criteria provided, single submitter. Criteria: Invitae Variant Classification Sherloc (09022015). Collection method: clinical testing. Allele origin: germline.
Comment: In summary, the available evidence is currently insufficient to determine the role of this variant in disease. Therefore, it has been classified as a Variant of Uncertain Significance. Algorithms developed to predict the effect of sequence changes on RNA splicing suggest that this variant may disrupt the consensus splice site. ClinVar contains an entry for this variant (Variation ID: 1036294). This variant has not been reported in the literature in individuals affected with GDAP1-related conditions. This variant is not present in population databases (gnomAD no frequency). This sequence change affects codon 51 of the GDAP1 mRNA. It is a 'silent' change, meaning that it does not change the encoded amino acid sequence of the GDAP1 protein.

NM_018972.4(GDAP1):c.153C>T (p.Cys51=)

Gene: GDAP1 (ganglioside induced differentiation associated protein 1; plus strand). Cytogenetic location: 8q21.11.
Variant type: single nucleotide variant.
Coding change: c.153C>T on transcript NM_018972.4 (MANE Select); coding-DNA position 153, C replaced by T.
Protein change: p.Cys51=; no amino-acid change (cysteine 51 retained).
Molecular consequence: synonymous variant. On other transcripts: 5 prime UTR variant (2), intron variant (1).
Genome position (GRCh38, 1-based): chr8:74,351,309, C>T. VCF-style: chr8-74351309-C-T. GRCh37 (hg19) VCF-style: chr8-75263544-C-T.
Other names: p.Cys51=; c.-52C>T (NM_001040875.4); c.-30C>T (NM_001362929.2); c.153C>T, p.Cys51= (NM_001362930.2, NM_001362931.2); c.-18+731C>T (NM_001362932.2).
Identifiers: ClinVar variation 1036294 (VCV001036294.9), dbSNP rs1413222465, ClinGen allele CA461462374.
Genomic context (GRCh38, chr8:74,351,309, plus strand): 5'-TAGTAACCAGTGTGAACTCTTCCAGGTGCGCTTGGTAATTGCTGAAAAGGCATTGAAGTG[C>T]GAGGAACATGATGTAAGTCTGCCCTTGAGTGAGCACAATGAGCCTTGGTTTATGCGTTTG-3'
Protein context (NP_061845.2, residues 41-61): RLVIAEKALK[Cys51=]EEHDVSLPLS